The following is an entry in ClinVar:

ClinVar aggregate classification (germline): Likely benign. Review status: criteria provided, multiple submitters, no conflicts (2 of 4 stars). 3 submissions from 3 submitters: Likely benign (2). 1 of the submissions does not count toward it. Last evaluated 2025-09-24.

Conditions:
CHAT-related disorder. Also called: CHAT-related condition.
Inborn genetic diseases. Identifiers: MedGen C0950123, MeSH D030342.
Familial infantile myasthenia (CMS6). Also called: MYASTHENIC SYNDROME, CONGENITAL, 6, PRESYNAPTIC; Congenital myasthenic syndrome type 6; MYASTHENIC SYNDROME, PRESYNAPTIC, CONGENITAL, ASSOCIATED WITH EPISODIC APNEA. Identifiers: Orphanet 590, MedGen C0393929, MONDO:0009689, OMIM 254210.

Allele frequency attached by ClinVar (database versions not stated): gnomAD exomes 0.00006 and 0.00014; ExAC 0.00016; gnomAD 0.00021 and 0.00022; ESP Exome Variant Server 0.00023; TOPMed 0.00023; 1000 Genomes Project 0.00100; 1000 Genomes Project 30x 0.00109.
gnomAD v4.1: 122 of 1,614,224 alleles (0.0076%); highest among the groups gnomAD compares: African/African-American, 0.063%; 1 homozygote.

Submissions (3):

Labcorp Genetics (formerly Invitae), Labcorp
Classification: Likely benign for Familial infantile myasthenia. Last evaluated: 2025-09-24. Review status: criteria provided, single submitter. Criteria: Invitae Variant Classification Sherloc (09022015). Collection method: clinical testing. Allele origin: germline.

Ambry Genetics
Classification: Likely benign for Inborn genetic diseases. Last evaluated: 2023-12-31. Review status: criteria provided, single submitter. Criteria: Ambry Variant Classification Scheme 2023. Collection method: clinical testing. Allele origin: germline.

PreventionGenetics, part of Exact Sciences
Classification: Likely benign for CHAT-related condition. Last evaluated: 2024-07-09. Review status: no assertion criteria provided. Collection method: clinical testing. Allele origin: germline. Not counted in ClinVar's aggregate classification.
Comment: This variant is classified as likely benign based on ACMG/AMP sequence variant interpretation guidelines (Richards et al. 2015 PMID: 25741868, with internal and published modifications).

NM_020549.5(CHAT):c.1173C>T (p.Asp391=)

Gene: CHAT (choline O-acetyltransferase; plus strand). Cytogenetic location: 10q11.23.
Variant type: single nucleotide variant.
Coding change: c.1173C>T on transcript NM_020549.5 (MANE Select); coding-DNA position 1173, C replaced by T.
Protein change: p.Asp391=; no amino-acid change (aspartic acid 391 retained).
Molecular consequence: synonymous variant.
Genome position (GRCh38, 1-based): chr10:49,646,566, C>T. VCF-style: chr10-49646566-C-T. GRCh37 (hg19) VCF-style: chr10-50854612-C-T.
Other names: c.819C>T, p.Asp273= (NM_001142929.2, NM_001142934.2, NM_020984.4 and 2 more transcripts); c.927C>T, p.Asp309= (NM_001142933.2).
Identifiers: ClinVar variation 703139 (VCV000703139.14), dbSNP rs141690626, ClinGen allele CA5497403.